The following is an entry in ClinVar:

NM_001265592.2(PLEKHG5):c.-52C>T

Gene: PLEKHG5 (pleckstrin homology and RhoGEF domain containing G5; minus strand). Cytogenetic location: 1p36.31.
Variant type: single nucleotide variant.
Coding change: c.-52C>T on transcript NM_001265592.2; 52 bases upstream of the start codon, C replaced by T.
Molecular consequence: 5 prime UTR variant.
Genome position (GRCh38, 1-based): chr1:6,496,568, G>A on the plus strand (C>T on the coding strand, the complement: PLEKHG5 is on the minus strand). VCF-style: chr1-6496568-G-A. GRCh37 (hg19) VCF-style: chr1-6556628-G-A.
Other names: c.-52C>T (NM_001042663.3); c.-163C>T (NM_198681.4).
Identifiers: ClinVar variation 806019 (VCV000806019.42), dbSNP rs200424270, ClinGen allele CA562108.

ClinVar aggregate classification (germline): Conflicting classifications of pathogenicity. Review status: criteria provided, conflicting classifications (1 of 4 stars). 3 submissions from 3 submitters: Uncertain significance (1); Likely benign (2). Last evaluated 2026-05-27.

Conditions:
PLEKHG5-related disorder. Also called: PLEKHG5-related condition.

Allele frequency attached by ClinVar (database versions not stated): ExAC 0.00009; gnomAD exomes 0.00014; ESP Exome Variant Server 0.00017; TOPMed 0.00005; gnomAD 0.00010.
gnomAD v4.1: 102 of 1,566,626 alleles (0.0065%); highest among the groups gnomAD compares: East Asian, 0.0094%; no homozygotes.

Submissions (3):

PreventionGenetics, part of Exact Sciences
Classification: Likely benign for PLEKHG5-related condition. Last evaluated: 2026-05-27. Review status: criteria provided, single submitter. Criteria: ACMG Guidelines, 2015. Collection method: clinical testing. Allele origin: germline.
Comment: This variant is classified as likely benign based on ACMG/AMP sequence variant interpretation guidelines (Richards et al. 2015 PMID: 25741868, with internal and published modifications).

ARUP Laboratories, Molecular Genetics and Genomics, ARUP Laboratories
Classification: Likely benign. Last evaluated: 2025-07-16. Review status: criteria provided, single submitter. Criteria: ARUP Molecular Germline Variant Investigation Process 2024. Collection method: clinical testing. Allele origin: germline.

CeGaT Center for Human Genetics Tuebingen
Classification: Uncertain significance. Last evaluated: 2016-10-01. Review status: criteria provided, single submitter. Criteria: CeGaT Center For Human Genetics Tuebingen Variant Classification Criteria Version 2. Collection method: clinical testing. Allele origin: germline. Affected: yes. Observed: 1 variant allele.